The following is an entry in ClinVar:

NM_001081.4(CUBN):c.7112C>T (p.Ser2371Phe)

Gene: CUBN (cubilin; minus strand). Cytogenetic location: 10p13.
Variant type: single nucleotide variant.
Coding change: c.7112C>T on transcript NM_001081.4 (MANE Select); coding-DNA position 7112, C replaced by T.
Protein change: p.Ser2371Phe; replaces serine 2371 with phenylalanine.
Molecular consequence: missense variant.
Genome position (GRCh38, 1-based): chr10:16,915,919, G>A on the plus strand (C>T on the coding strand, the complement: CUBN is on the minus strand). VCF-style: chr10-16915919-G-A. GRCh37 (hg19) VCF-style: chr10-16957918-G-A.
Other names: short protein forms S2371F.
Identifiers: ClinVar variation 695689 (VCV000695689.13), dbSNP rs141819241, ClinGen allele CA5423454.

ClinVar aggregate classification (germline): Likely benign. Review status: criteria provided, multiple submitters, no conflicts (2 of 4 stars). 2 submissions from 2 submitters: Likely benign (2). Last evaluated 2025-09-16.

Conditions:
CUBN-related disorder. Also called: CUBN-related condition.
Imerslund-Grasbeck syndrome. Also called: Megaloblastic anemia due to inborn errors of metabolism; ENTEROCYTE COBALAMIN MALABSORPTION; ENTEROCYTE INTRINSIC FACTOR RECEPTOR, DEFECT OF; PERNICIOUS ANEMIA, JUVENILE, DUE TO SELECTIVE INTESTINAL MALABSORPTION OF VITAMIN B12, WITH PROTEINURIA; Imerslund-Gräsbeck syndrome. Identifiers: Orphanet 35858, MedGen C4551825, MONDO:0009853.

Allele frequency attached by ClinVar (database versions not stated): gnomAD exomes 0.00006 and 0.00017; ExAC 0.00023; gnomAD 0.00054 and 0.00063; TOPMed 0.00075; ESP Exome Variant Server 0.00108.
gnomAD v4.1: 166 of 1,614,074 alleles (0.01%); highest among the groups gnomAD compares: African/African-American, 0.21%; 1 homozygote.

Submissions (2):

Labcorp Genetics (formerly Invitae), Labcorp
Classification: Likely benign for Imerslund-Grasbeck syndrome. Last evaluated: 2025-09-16. Review status: criteria provided, single submitter. Criteria: Invitae Variant Classification Sherloc (09022015). Collection method: clinical testing. Allele origin: germline.

PreventionGenetics, part of Exact Sciences
Classification: Likely benign for CUBN-related condition. Last evaluated: 2024-10-11. Review status: criteria provided, single submitter. Criteria: ACMG Guidelines, 2015. Collection method: clinical testing. Allele origin: germline.
Comment: This variant is classified as likely benign based on ACMG/AMP sequence variant interpretation guidelines (Richards et al. 2015 PMID: 25741868, with internal and published modifications).